The following is an entry in ClinVar:

ClinVar aggregate classification (germline): Uncertain significance (1 of 4 stars; one submission).

Conditions:
Hereditary pancreatitis (PCTT). Also called: Hereditary chronic pancreatitis; PRSS1-Related Hereditary Pancreatitis. Identifiers: Orphanet 676, MedGen C0238339, MONDO:0008185, OMIM 167800.

Submission:

Ambry Genetics
Classification: Uncertain significance for Hereditary pancreatitis. Last evaluated: 2025-05-19. Review status: criteria provided, single submitter. Criteria: Ambry Variant Classification Scheme 2023. Collection method: clinical testing. Allele origin: germline.
Comment: The p.N89T variant (also known as c.266A>C), located in coding exon 3 of the PRSS1 gene, results from an A to C substitution at nucleotide position 266. The asparagine at codon 89 is replaced by threonine, an amino acid with similar properties. This amino acid position is conserved. In addition, this alteration is predicted to be tolerated by in silico analysis. Based on the available evidence, the clinical significance of this variant remains unclear.

NM_002769.5(PRSS1):c.266A>C (p.Asn89Thr)

Genes: PRSS1 (serine protease 1; plus strand), TRB (T cell receptor beta locus; plus strand). Cytogenetic location: 7q34.
Variant type: single nucleotide variant.
Coding change: c.266A>C on transcript NM_002769.5 (MANE Select); coding-DNA position 266, A replaced by C.
Protein change: p.Asn89Thr; replaces asparagine 89 with threonine.
Molecular consequence: missense variant. On other transcripts: non-coding transcript variant (4).
Genome position (GRCh38, 1-based): chr7:142,751,839, A>C. VCF-style: chr7-142751839-A-C. GRCh37 (hg19) VCF-style: chr7-142459690-A-C.
Other names: short protein forms N89T.
Identifiers: ClinVar variation 3939055 (VCV003939055.1).